The following is an entry in ClinVar:

ClinVar aggregate classification (germline): Conflicting classifications of pathogenicity. Review status: criteria provided, conflicting classifications (1 of 4 stars). 4 submissions from 4 submitters: Uncertain significance (3); Likely benign (1). Last evaluated 2022-04-19.

Conditions:
Autosomal recessive limb-girdle muscular dystrophy type 2J (LGMDR10). Also called: Limb-girdle muscular dystrophy, type 2J; MUSCULAR DYSTROPHY, LIMB-GIRDLE, AUTOSOMAL RECESSIVE 10. Identifiers: Orphanet 140922, MedGen C1837342, MONDO:0012127, OMIM 608807.
Dilated cardiomyopathy 1G (CMD1G). Identifiers: Orphanet 154, MedGen C1858763, MONDO:0011400, OMIM 604145.

Allele frequency attached by ClinVar (database versions not stated): TOPMed below 0.00001; gnomAD 0.00001 and 0.00003; gnomAD exomes 0.00006; ExAC 0.00008; 1000 Genomes Project 30x 0.00031; 1000 Genomes Project 0.00040.
gnomAD v4.1: 49 of 1,613,070 alleles (0.003%); highest among the groups gnomAD compares: South Asian, 0.042%; no homozygotes.

Submissions (4):

Revvity Omics, Revvity
Classification: Uncertain significance. Last evaluated: 2022-04-19. Review status: criteria provided, single submitter. Criteria: ACMG Guidelines, 2015. Collection method: clinical testing. Allele origin: germline.

GeneDx
Classification: Likely benign. Last evaluated: 2019-03-19. Review status: criteria provided, single submitter. Criteria: GeneDx Variant Classification Process June 2021. Collection method: clinical testing. Allele origin: germline. Affected: yes.
Comment: This variant is associated with the following publications: (PMID: 31983221)

Eurofins Ntd Llc (ga)
Classification: Uncertain significance. Last evaluated: 2018-04-13. Review status: criteria provided, single submitter. Criteria: EGL ClinVar v180209 classification definitions. Collection method: clinical testing. Allele origin: germline. Observed: 1 variant allele, 1 heterozygote.

Labcorp Genetics (formerly Invitae), Labcorp
Classification: Uncertain significance for Dilated cardiomyopathy 1G; Autosomal recessive limb-girdle muscular dystrophy type 2J. Last evaluated: 2017-11-28. Review status: criteria provided, single submitter. Criteria: Invitae Variant Classification Sherloc (09022015). Collection method: clinical testing. Allele origin: germline.

NM_001267550.2(TTN):c.69957C>G (p.Ile23319Met)

Genes: TTN-AS1 (TTN antisense RNA 1; plus strand), TTN (titin; minus strand), LOC126806422 (BRD4-independent group 4 enhancer GRCh37_chr2:179440205-179441404; plus strand). Cytogenetic location: 2q31.2.
Variant type: single nucleotide variant.
Coding change: c.69957C>G on transcript NM_001267550.2 (MANE Select); coding-DNA position 69957, C replaced by G.
Protein change: p.Ile23319Met; replaces isoleucine 23319 with methionine.
Molecular consequence: missense variant.
Genome position (GRCh38, 1-based): chr2:178,576,175, G>C on the plus strand (C>G on the coding strand, the complement: TTN is on the minus strand). VCF-style: chr2-178576175-G-C. GRCh37 (hg19) VCF-style: chr2-179440902-G-C.
Other names: c.65034C>G, p.Ile21678Met (NM_001256850.1); c.42762C>G, p.Ile14254Met (NM_003319.4); c.62253C>G, p.Ile20751Met (NM_133378.4); c.43137C>G, p.Ile14379Met (NM_133432.3); c.43338C>G, p.Ile14446Met (NM_133437.4); short protein forms I23319M, I20751M, I14446M, I21678M, I14379M, I14254M.
Identifiers: ClinVar variation 535086 (VCV000535086.13), dbSNP rs540840413, ClinGen allele CA1990856.